The following is an entry in ClinVar:

NM_015100.4(POGZ):c.1427G>A (p.Arg476Gln)

Gene: POGZ (pogo transposable element derived with ZNF domain; minus strand). Cytogenetic location: 1q21.3.
Variant type: single nucleotide variant.
Coding change: c.1427G>A on transcript NM_015100.4 (MANE Select); coding-DNA position 1427, G replaced by A.
Protein change: p.Arg476Gln; replaces arginine 476 with glutamine.
Molecular consequence: missense variant.
Genome position (GRCh38, 1-based): chr1:151,424,045, C>T on the plus strand (G>A on the coding strand, the complement: POGZ is on the minus strand). VCF-style: chr1-151424045-C-T. GRCh37 (hg19) VCF-style: chr1-151396521-C-T.
Other names: c.1400G>A, p.Arg467Gln (NM_001194937.2); c.1241G>A, p.Arg414Gln (NM_001194938.2); c.1142G>A, p.Arg381Gln (NM_145796.4); c.1268G>A, p.Arg423Gln (NM_207171.2); short protein forms R476Q, R381Q, R414Q, R423Q, R467Q.
Identifiers: ClinVar variation 560577 (VCV000560577.8), dbSNP rs763820362, ClinGen allele CA1091444.

ClinVar aggregate classification (germline): Conflicting classifications of pathogenicity. Review status: criteria provided, conflicting classifications (1 of 4 stars). 4 submissions from 4 submitters: Uncertain significance (1); Likely benign (1). 2 of the submissions do not count toward it. Last evaluated 2026-03-01.

Conditions:
Intellectual disability-microcephaly-strabismus-behavioral abnormalities syndrome. Also called: White-Sutton Syndrome. Identifiers: Orphanet 468678, MedGen C4225351, MONDO:0014606, OMIM 616364.
POGZ-related disorder. Also called: POGZ-related condition.
Autism spectrum disorder. Also called: Autism spectrum disorders. Identifiers: MedGen C1510586, MeSH D000067877, MONDO:0005258.

Allele frequency attached by ClinVar (database versions not stated): TOPMed 0.00001; gnomAD exomes 0.00002; ExAC 0.00003.

Submissions (4):

CeGaT Center for Human Genetics Tuebingen
Classification: Likely benign. Last evaluated: 2026-03-01. Review status: criteria provided, single submitter. Criteria: CeGaT Center For Human Genetics Tuebingen Variant Classification Criteria Version 2. Collection method: clinical testing. Allele origin: germline. Affected: yes. Observed: 1 variant allele.
Comment: POGZ: BP4

Revvity Omics, Revvity
Classification: Uncertain significance for Intellectual disability-microcephaly-strabismus-behavioral abnormalities syndrome. Last evaluated: 2023-11-07. Review status: criteria provided, single submitter. Criteria: ACMG Guidelines, 2015. Collection method: clinical testing. Allele origin: germline.

PreventionGenetics, part of Exact Sciences
Classification: Uncertain significance for POGZ-related condition. Last evaluated: 2024-03-22. Review status: no assertion criteria provided. Collection method: clinical testing. Allele origin: germline. Not counted in ClinVar's aggregate classification.
Comment: The POGZ c.1427G>A variant is predicted to result in the amino acid substitution p.Arg476Gln. This variant was reported in an individual with autism spectrum disorder and maternal inheritance (Guo et al 2018. PubMed ID: 30564305). This variant is reported in 0.0098% of alleles in individuals of South Asian descent in gnomAD. At this time, the clinical significance of this variant is uncertain due to the absence of conclusive functional and genetic evidence.

Center of Medical Genetics, Central South University
Classification: association for Autism spectrum disorder. Review status: no assertion criteria provided. Collection method: clinical testing. Allele origin: maternal, paternal. Affected: yes. Observed: 2 variant alleles. Not counted in ClinVar's aggregate classification.